The following is an entry in ClinVar:

NM_177438.3(DICER1):c.2591C>T (p.Ala864Val)

Gene: DICER1 (dicer 1, ribonuclease III; minus strand). Cytogenetic location: 14q32.13.
Variant type: single nucleotide variant.
Coding change: c.2591C>T on transcript NM_177438.3 (MANE Select); coding-DNA position 2591, C replaced by T.
Protein change: p.Ala864Val; replaces alanine 864 with valine.
Molecular consequence: missense variant.
Genome position (GRCh38, 1-based): chr14:95,107,939, G>A on the plus strand (C>T on the coding strand, the complement: DICER1 is on the minus strand). VCF-style: chr14-95107939-G-A. GRCh37 (hg19) VCF-style: chr14-95574276-G-A.
Other names: c.2591C>T, p.Ala864Val (NM_001195573.1, NM_001271282.3, NM_001291628.2 and 1 more transcripts); short protein forms A864V.
Identifiers: ClinVar variation 821535 (VCV000821535.16), dbSNP rs891810189, ClinGen allele CA265909388.

ClinVar aggregate classification (germline): Uncertain significance. Review status: criteria provided, multiple submitters, no conflicts (2 of 4 stars). 2 submissions from 2 submitters: Uncertain significance (2). Last evaluated 2024-07-16.

Conditions:
DICER1-related tumor predisposition. Also called: DICER1-related pleuropulmonary blastoma cancer predisposition syndrome; DICER1 syndrome. Identifiers: Orphanet 284343, MedGen C3839822, MONDO:0100216.
Hereditary cancer-predisposing syndrome. Also called: Hereditary Cancer Syndrome; Neoplastic Syndromes, Hereditary; Hereditary neoplastic syndrome; Tumor predisposition. Identifiers: Orphanet 140162, MedGen C0027672, MeSH D009386, MONDO:0015356.

Submissions (2):

Ambry Genetics
Classification: Uncertain significance for Hereditary cancer-predisposing syndrome. Last evaluated: 2024-07-16. Review status: criteria provided, single submitter. Criteria: Ambry Variant Classification Scheme 2023. Collection method: clinical testing. Allele origin: germline.
Comment: The p.A864V variant (also known as c.2591C>T), located in coding exon 15 of the DICER1 gene, results from a C to T substitution at nucleotide position 2591. The alanine at codon 864 is replaced by valine, an amino acid with similar properties. This amino acid position is highly conserved in available vertebrate species. In addition, the in silico prediction for this alteration is inconclusive. Based on the available evidence, the clinical significance of this variant remains unclear.

Labcorp Genetics (formerly Invitae), Labcorp
Classification: Uncertain significance for DICER1-related tumor predisposition. Last evaluated: 2022-03-14. Review status: criteria provided, single submitter. Criteria: Invitae Variant Classification Sherloc (09022015). Collection method: clinical testing. Allele origin: germline.
Comment: In summary, the available evidence is currently insufficient to determine the role of this variant in disease. Therefore, it has been classified as a Variant of Uncertain Significance. This sequence change replaces alanine, which is neutral and non-polar, with valine, which is neutral and non-polar, at codon 864 of the DICER1 protein (p.Ala864Val). This variant is not present in population databases (gnomAD no frequency). This variant has not been reported in the literature in individuals affected with DICER1-related conditions. ClinVar contains an entry for this variant (Variation ID: 821535). Algorithms developed to predict the effect of missense changes on protein structure and function are either unavailable or do not agree on the potential impact of this missense change (SIFT: "Tolerated"; PolyPhen-2: "Probably Damaging"; Align-GVGD: "Class C0").